The following is an entry in ClinVar:

ClinVar aggregate classification (germline): Uncertain significance (1 of 4 stars; one submission).

Conditions:
Jeune thoracic dystrophy. Also called: Short-rib thoracic dysplasia; Jeune syndrome; Infantile thoracic dystrophy; Thoracic pelvic phalangeal dystrophy; Jeune's syndrome; Chondroectodermal dysplasia-like syndrome. Identifiers: Orphanet 474, MedGen C0265275, MONDO:0018770.
Nephronophthisis. Also called: Juvenile Nephronophthisis. Identifiers: Orphanet 655, MedGen C0687120, MONDO:0019005, HP:0000090.

Submission:

Labcorp Genetics (formerly Invitae), Labcorp
Classification: Uncertain significance for Jeune thoracic dystrophy; Nephronophthisis. Last evaluated: 2022-01-05. Review status: criteria provided, single submitter. Criteria: Invitae Variant Classification Sherloc (09022015). Collection method: clinical testing. Allele origin: germline.
Comment: In summary, the available evidence is currently insufficient to determine the role of this variant in disease. Therefore, it has been classified as a Variant of Uncertain Significance. Algorithms developed to predict the effect of missense changes on protein structure and function output the following: SIFT: "Tolerated"; PolyPhen-2: "Benign"; Align-GVGD: "Class C0". The valine amino acid residue is found in multiple mammalian species, which suggests that this missense change does not adversely affect protein function. This variant has not been reported in the literature in individuals affected with TTC21B-related conditions. This variant is not present in population databases (gnomAD no frequency). This sequence change replaces leucine, which is neutral and non-polar, with valine, which is neutral and non-polar, at codon 827 of the TTC21B protein (p.Leu827Val).

NM_024753.5(TTC21B):c.2479C>G (p.Leu827Val)

Gene: TTC21B (tetratricopeptide repeat domain 21B; minus strand). Cytogenetic location: 2q24.3.
Variant type: single nucleotide variant.
Coding change: c.2479C>G on transcript NM_024753.5 (MANE Select); coding-DNA position 2479, C replaced by G.
Protein change: p.Leu827Val; replaces leucine 827 with valine.
Molecular consequence: missense variant.
Genome position (GRCh38, 1-based): chr2:165,907,767, G>C on the plus strand (C>G on the coding strand, the complement: TTC21B is on the minus strand). VCF-style: chr2-165907767-G-C. GRCh37 (hg19) VCF-style: chr2-166764277-G-C.
Other names: short protein forms L827V.
Identifiers: ClinVar variation 2075762 (VCV002075762.4), dbSNP rs2468158037, ClinGen allele CA349055720.